The following is an entry in ClinVar:

NM_001904.4(CTNNB1):c.1082-1G>A

Gene: CTNNB1 (catenin beta 1; plus strand). Cytogenetic location: 3p22.1.
Variant type: single nucleotide variant.
Coding change: c.1082-1G>A on transcript NM_001904.4 (MANE Select); the canonical splice acceptor site of the intron before coding-DNA position 1082, G replaced by A.
Molecular consequence: splice acceptor variant.
Genome position (GRCh38, 1-based): chr3:41,233,340, G>A. VCF-style: chr3-41233340-G-A. GRCh37 (hg19) VCF-style: chr3-41274831-G-A.
Other names: c.1061-1G>A (NM_001330729.2); c.1082-1G>A (NM_001098209.2, NM_001098210.2).
Identifiers: ClinVar variation 3384080 (VCV003384080.1).

ClinVar aggregate classification (germline): Likely pathogenic (1 of 4 stars; one submission).

Conditions:
Exudative vitreoretinopathy 7. Identifiers: MedGen C4539767, MONDO:0033123, OMIM 617572.

Submission:

Dubai Health Genomic Medicine Center, Dubai Health
Classification: Likely pathogenic for Exudative vitreoretinopathy 7. Last evaluated: 2024-10-04. Review status: criteria provided, single submitter. Criteria: ACMG Guidelines, 2015. Collection method: research. Allele origin: germline. Affected: yes.
Comment: PVS1,PM2